The following is an entry in ClinVar:

NM_000327.4(ROM1):c.508G>A (p.Gly170Arg)

Gene: ROM1 (retinal outer segment membrane protein 1; plus strand). Cytogenetic location: 11q12.3.
Variant type: single nucleotide variant.
Coding change: c.508G>A on transcript NM_000327.4 (MANE Select); coding-DNA position 508, G replaced by A.
Protein change: p.Gly170Arg; replaces glycine 170 with arginine.
Molecular consequence: missense variant.
Genome position (GRCh38, 1-based): chr11:62,613,789, G>A. VCF-style: chr11-62613789-G-A. GRCh37 (hg19) VCF-style: chr11-62381261-G-A.
Other names: short protein forms G170R.
Identifiers: ClinVar variation 963179 (VCV000963179.11), dbSNP rs142496524, ClinGen allele CA6049749.

ClinVar aggregate classification (germline): Uncertain significance. Review status: criteria provided, multiple submitters, no conflicts (2 of 4 stars). 2 submissions from 2 submitters: Uncertain significance (2). Last evaluated 2024-11-19.

Conditions:
Retinal dystrophy. Also called: Inherited retinal dystrophy. Identifiers: Orphanet 71862, MedGen C0854723, MeSH D058499, MONDO:0019118, HP:0000556.

Allele frequency attached by ClinVar (database versions not stated): gnomAD exomes below 0.00001 and 0.00002; gnomAD 0.00002 and 0.00003; TOPMed 0.00003; ExAC 0.00004; 1000 Genomes Project 30x 0.00016; 1000 Genomes Project 0.00020.
gnomAD v4.1: 10 of 1,614,152 alleles (0.00062%); highest among the groups gnomAD compares: East Asian, 0.0067%; no homozygotes.

Submissions (2):

Labcorp Genetics (formerly Invitae), Labcorp
Classification: Uncertain significance. Last evaluated: 2024-11-19. Review status: criteria provided, single submitter. Criteria: Invitae Variant Classification Sherloc (09022015). Collection method: clinical testing. Allele origin: germline.
Comment: This sequence change replaces glycine, which is neutral and non-polar, with arginine, which is basic and polar, at codon 170 of the ROM1 protein (p.Gly170Arg). This variant is present in population databases (rs142496524, gnomAD 0.01%). This variant has not been reported in the literature in individuals affected with ROM1-related conditions. ClinVar contains an entry for this variant (Variation ID: 963179). Invitae Evidence Modeling of protein sequence and biophysical properties (such as structural, functional, and spatial information, amino acid conservation, physicochemical variation, residue mobility, and thermodynamic stability) indicates that this missense variant is expected to disrupt ROM1 protein function with a positive predictive value of 80%. In summary, the available evidence is currently insufficient to determine the role of this variant in disease. Therefore, it has been classified as a Variant of Uncertain Significance.

Dept Of Ophthalmology, Nagoya University
Classification: Uncertain significance for Retinal dystrophy. Last evaluated: 2023-10-01. Review status: criteria provided, single submitter. Criteria: Submitter's publication. Collection method: research. Allele origin: germline. Affected: yes.